The following is an entry in ClinVar:

ClinVar aggregate classification (germline): Uncertain significance (1 of 4 stars; one submission).

Conditions:
CHARGE syndrome (CHARGE). Also called: Hittner Hirsch Kreh syndrome; CHARGE ASSOCIATION--COLOBOMA, HEART ANOMALY, CHOANAL ATRESIA, RETARDATION, GENITAL AND EAR ANOMALIES; Coloboma, heart anomaly, choanal atresia, retardation, genital and ear anomalies; CHARGE association; Hall-Hittner syndrome. Identifiers: Orphanet 138, MedGen C0265354, MONDO:0008965.

gnomAD v4.1: 6 of 1,613,960 alleles (0.00037%); highest among the groups gnomAD compares: Non-Finnish European, 0.00051%; no homozygotes.

Submission:

Labcorp Genetics (formerly Invitae), Labcorp
Classification: Uncertain significance for CHARGE syndrome. Last evaluated: 2023-11-24. Review status: criteria provided, single submitter. Criteria: Invitae Variant Classification Sherloc (09022015). Collection method: clinical testing. Allele origin: germline.
Comment: This sequence change replaces proline, which is neutral and non-polar, with threonine, which is neutral and polar, at codon 2946 of the CHD7 protein (p.Pro2946Thr). This variant is not present in population databases (gnomAD no frequency). This variant has not been reported in the literature in individuals affected with CHD7-related conditions. Advanced modeling of protein sequence and biophysical properties (such as structural, functional, and spatial information, amino acid conservation, physicochemical variation, residue mobility, and thermodynamic stability) performed at Invitae indicates that this missense variant is not expected to disrupt CHD7 protein function with a negative predictive value of 95%. In summary, the available evidence is currently insufficient to determine the role of this variant in disease. Therefore, it has been classified as a Variant of Uncertain Significance.

NM_017780.4(CHD7):c.8836C>A (p.Pro2946Thr)

Gene: CHD7 (chromodomain helicase DNA binding protein 7; plus strand). Cytogenetic location: 8q12.2.
Variant type: single nucleotide variant.
Coding change: c.8836C>A on transcript NM_017780.4 (MANE Select); coding-DNA position 8836, C replaced by A.
Protein change: p.Pro2946Thr; replaces proline 2946 with threonine.
Molecular consequence: missense variant.
Genome position (GRCh38, 1-based): chr8:60,865,775, C>A. VCF-style: chr8-60865775-C-A. GRCh37 (hg19) VCF-style: chr8-61778334-C-A.
Other names: c.2689C>A, p.Pro897Thr (NM_001316690.1); short protein forms P2946T, P897T.
Identifiers: ClinVar variation 2875065 (VCV002875065.3), dbSNP rs1410995937, ClinGen allele CA371312385.